The following is an entry in ClinVar:

NM_000637.5(GSR):c.250G>A (p.Ala84Thr)

Genes: GSR (glutathione-disulfide reductase; minus strand), LOC130000170 (ATAC-STARR-seq lymphoblastoid silent region 19083; plus strand). Cytogenetic location: 8p12.
Variant type: single nucleotide variant.
Coding change: c.250G>A on transcript NM_000637.5 (MANE Select); coding-DNA position 250, G replaced by A.
Protein change: p.Ala84Thr; replaces alanine 84 with threonine.
Molecular consequence: missense variant.
Genome position (GRCh38, 1-based): chr8:30,727,586, C>T on the plus strand (G>A on the coding strand, the complement: GSR is on the minus strand). VCF-style: chr8-30727586-C-T. GRCh37 (hg19) VCF-style: chr8-30585103-C-T.
Other names: p.Ala84Thr; c.250G>A, p.Ala84Thr (NM_001195102.3, NM_001195103.3, NM_001195104.3); c.250G>A (NM_000637.3); short protein forms A84T.
Identifiers: ClinVar variation 2903892 (VCV002903892.5), dbSNP rs759875729, ClinGen allele CA4701593.

ClinVar aggregate classification (germline): Conflicting classifications of pathogenicity. Review status: criteria provided, conflicting classifications (1 of 4 stars). 3 submissions from 3 submitters: Uncertain significance (2); Likely benign (1). Last evaluated 2025-04-29.

Allele frequency attached by ClinVar (database versions not stated): TOPMed 0.00003; gnomAD 0.00009; gnomAD exomes 0.00013; ExAC 0.00112.
gnomAD v4.1: 186 of 1,530,490 alleles (0.012%); highest among the groups gnomAD compares: South Asian, 0.21%; 1 homozygote.

Submissions (3):

Mayo Clinic Laboratories, Mayo Clinic
Classification: Uncertain significance. Last evaluated: 2025-04-29. Review status: criteria provided, single submitter. Criteria: ACMG Guidelines, 2015. Collection method: clinical testing. Allele origin: germline. Observed: 1 variant allele.
Comment: BP4, PM2_supporting

Labcorp Genetics (formerly Invitae), Labcorp
Classification: Likely benign. Last evaluated: 2024-05-06. Review status: criteria provided, single submitter. Criteria: Invitae Variant Classification Sherloc (09022015). Collection method: clinical testing. Allele origin: germline.

Ambry Genetics
Classification: Uncertain significance. Last evaluated: 2023-11-27. Review status: criteria provided, single submitter. Criteria: Ambry Variant Classification Scheme 2023. Collection method: clinical testing. Allele origin: germline.